The following is an entry in ClinVar:

ClinVar aggregate classification (germline): Likely pathogenic. Review status: criteria provided, multiple submitters, no conflicts (2 of 4 stars). 2 submissions from 2 submitters: Likely pathogenic (2). Last evaluated 2025-06-24.

Conditions:
Hereditary cancer-predisposing syndrome. Also called: Hereditary Cancer Syndrome; Tumor predisposition; Hereditary neoplastic syndrome; Neoplastic Syndromes, Hereditary. Identifiers: Orphanet 140162, MedGen C0027672, MeSH D009386, MONDO:0015356.

Submissions (2):

Ambry Genetics
Classification: Likely pathogenic for Hereditary cancer-predisposing syndrome. Last evaluated: 2025-06-24. Review status: criteria provided, single submitter. Criteria: Ambry Variant Classification Scheme 2023. Collection method: clinical testing. Allele origin: germline.
Comment: The c.106-2A>C intronic variant results from an A to C substitution two nucleotides upstream from coding exon 2 in the CTNNA1 gene. This nucleotide position is highly conserved in available vertebrate species. In silico splice site analysis predicts that this alteration will weaken the native splice acceptor site and will result in the creation or strengthening of a novel splice acceptor site. RNA studies have demonstrated that this alteration results in abnormal splicing in the set of samples tested (Ambry internal data). This variant is considered to be rare based on population cohorts in the Genome Aggregation Database (gnomAD). Based on the majority of available evidence to date, this variant is likely to be pathogenic.

Labcorp Genetics (formerly Invitae), Labcorp
Classification: Likely pathogenic. Last evaluated: 2025-04-01. Review status: criteria provided, single submitter. Criteria: Invitae Variant Classification Sherloc (09022015). Collection method: clinical testing. Allele origin: germline.
Comment: This sequence change affects an acceptor splice site in intron 2 of the CTNNA1 gene. RNA analysis indicates that disruption of this splice site induces altered splicing and may result in an absent or altered protein product. This variant is not present in population databases (gnomAD no frequency). This variant has not been reported in the literature in individuals affected with CTNNA1-related conditions. ClinVar contains an entry for this variant (Variation ID: 1043500). Studies have shown that disruption of this splice site results in skipping of exon 3 and activation of a cryptic splice site, and produces a non-functional protein and/or introduces a premature termination codon (internal data). In summary, the currently available evidence indicates that the variant is pathogenic, but additional data are needed to prove that conclusively. Therefore, this variant has been classified as Likely Pathogenic.

NM_001903.5(CTNNA1):c.106-2A>C

Gene: CTNNA1 (catenin alpha 1; plus strand). Cytogenetic location: 5q31.2.
Variant type: single nucleotide variant.
Coding change: c.106-2A>C on transcript NM_001903.5 (MANE Select); the canonical splice acceptor site of the intron before coding-DNA position 106, A replaced by C.
Molecular consequence: splice acceptor variant. On other transcripts: intron variant (1).
Genome position (GRCh38, 1-based): chr5:138,783,175, A>C. VCF-style: chr5-138783175-A-C. GRCh37 (hg19) VCF-style: chr5-138118864-A-C.
Other names: c.106-2A>C (NM_001903.2, NM_001323982.2, NM_001323984.2 and 4 more transcripts); c.-101-2A>C (NM_001290310.3); c.-9+1146A>C (NM_001290309.3).
Identifiers: ClinVar variation 1043500 (VCV001043500.9), dbSNP rs1755319649, ClinGen allele CA361477255.